The following is an entry in ClinVar:

NM_001005751.3(WASHC2A):c.1270G>T (p.Val424Phe)

Gene: WASHC2A (WASH complex subunit 2A; plus strand). Cytogenetic location: 10q11.23.
Variant type: single nucleotide variant.
Coding change: c.1270G>T on transcript NM_001005751.3 (MANE Select); coding-DNA position 1270, G replaced by T.
Protein change: p.Val424Phe; replaces valine 424 with phenylalanine.
Molecular consequence: missense variant.
Genome position (GRCh38, 1-based): chr10:50,095,628, G>T. VCF-style: chr10-50095628-G-T. GRCh37 (hg19) VCF-style: chr10-51855388-G-T.
Other names: c.1270G>T, p.Val424Phe (NM_001291398.2, NM_001330102.2, NM_001437384.1 and 4 more transcripts); c.1198G>T, p.Val400Phe (NM_001437383.1, NM_001437385.1, NM_001437386.1 and 2 more transcripts); short protein forms V400F, V424F.
Identifiers: ClinVar variation 4604353 (VCV004604353.1).

ClinVar aggregate classification (germline): Uncertain significance (1 of 4 stars; one submission).

gnomAD v4.1: 3 of 1,611,786 alleles (0.00019%); highest among the groups gnomAD compares: Non-Finnish European, 0.00025%; no homozygotes.

Submission:

Ambry Genetics
Classification: Uncertain significance. Last evaluated: 2025-10-29. Review status: criteria provided, single submitter. Criteria: Ambry Variant Classification Scheme 2023. Collection method: clinical testing. Allele origin: germline.
Comment: The c.1270G>T (p.V424F) alteration is located in exon 15 (coding exon 15) of the FAM21A gene. This alteration results from a G to T substitution at nucleotide position 1270, causing the valine (V) at amino acid position 424 to be replaced by a phenylalanine (F). Based on data from gnomAD, the T allele has an overall frequency of <0.001% (0/137218) total alleles studied. The highest observed frequency was <0.001% (/) of alleles. Based on insufficient or conflicting evidence, the clinical significance of this alteration remains unclear.